The following is an entry in ClinVar:

NM_000083.3(CLCN1):c.1955_1966del (p.Val652_Ser655del)

Genes: CLCN1 (chloride voltage-gated channel 1; plus strand), LOC123956257 (Sharpr-MPRA regulatory region 4117; plus strand). Cytogenetic location: 7q34.
Variant type: Deletion.
Coding change: c.1955_1966del on transcript NM_000083.3 (MANE Select); coding-DNA positions 1955 to 1966, 12 bases deleted (TGGAGCGGTCGG).
Protein change: p.Val652_Ser655del.
Molecular consequence: inframe deletion. On other transcripts: non-coding transcript variant (1).
Genome position (GRCh38, 1-based): chr7:143,345,545-143,345,556, TGGAGCGGTCGG deleted; deleting any 12 consecutive bases within chr7:143,345,541-143,345,556 gives the same sequence; the c. name uses the placement nearest the transcript's 3' end. VCF-style (leftmost placement, unchanged base first): chr7-143345540-CTCGGTGGAGCGG-C. GRCh37 (hg19) VCF-style: chr7-143042633-CTCGGTGGAGCGG-C.
Identifiers: ClinVar variation 1509814 (VCV001509814.8), dbSNP rs1803209334, ClinGen allele CA1108130365.

ClinVar aggregate classification (germline): Uncertain significance (1 of 4 stars; one submission).

Conditions:
Congenital myotonia, autosomal recessive form. Also called: Becker Generalized Myotonia; BECKER DISEASE; myotonia congenita, autosomal recessive. Identifiers: Orphanet 614, MedGen C0751360, MONDO:0009715, OMIM 255700.
Congenital myotonia, autosomal dominant form (THD). Also called: THOMSEN DISEASE; Myotonia congenita autosomal dominant. Identifiers: Orphanet 614, MedGen C2936781, MONDO:0008055, OMIM 160800.

Submission:

Labcorp Genetics (formerly Invitae), Labcorp
Classification: Uncertain significance for Congenital myotonia, autosomal recessive form; Congenital myotonia, autosomal dominant form. Last evaluated: 2021-02-11. Review status: criteria provided, single submitter. Criteria: Invitae Variant Classification Sherloc (09022015). Collection method: clinical testing. Allele origin: germline.
Comment: Experimental studies and prediction algorithms are not available or were not evaluated, and the functional significance of this variant is currently unknown. In summary, the available evidence is currently insufficient to determine the role of this variant in disease. Therefore, it has been classified as a Variant of Uncertain Significance. This variant has not been reported in the literature in individuals with CLCN1-related conditions. This variant is not present in population databases (ExAC no frequency). This variant, c.1955_1966del, results in the deletion of 4 amino acid(s) of the CLCN1 protein (p.Val652_Ser655del), but otherwise preserves the integrity of the reading frame.